The following is an entry in ClinVar:

NM_001145809.2(MYH14):c.2792G>A (p.Arg931His)

Gene: MYH14 (myosin heavy chain 14; plus strand). Cytogenetic location: 19q13.33.
Variant type: single nucleotide variant.
Coding change: c.2792G>A on transcript NM_001145809.2 (MANE Select); coding-DNA position 2792, G replaced by A.
Protein change: p.Arg931His; replaces arginine 931 with histidine.
Molecular consequence: missense variant.
Genome position (GRCh38, 1-based): chr19:50,266,974, G>A. VCF-style: chr19-50266974-G-A. GRCh37 (hg19) VCF-style: chr19-50770231-G-A.
Other names: p.Arg890His; c.2693G>A, p.Arg898His (NM_001077186.2); c.2669G>A, p.Arg890His (NM_024729.4); short protein forms R931H, R890H, R898H.
Identifiers: ClinVar variation 44059 (VCV000044059.57), dbSNP rs200351672, ClinGen allele CA248635.

ClinVar aggregate classification (germline): Benign/Likely benign. Review status: criteria provided, multiple submitters, no conflicts (2 of 4 stars). 14 submissions from 14 submitters: Benign (10); Likely benign (2). 2 of the submissions do not count toward it. Last evaluated 2026-03-01.

Conditions:
Autosomal dominant nonsyndromic hearing loss 4A. Also called: Deafness, autosomal dominant 4A. Identifiers: Orphanet 90635, MedGen C1833503, MONDO:0010915, OMIM 600652.

Allele frequency attached by ClinVar (database versions not stated): gnomAD exomes 0.00103 and 0.00205; ExAC 0.00410; gnomAD 0.00434 and 0.00460; 1000 Genomes Project 0.00439; ESP Exome Variant Server 0.00476; TOPMed 0.00539; 1000 Genomes Project 30x 0.00625.
gnomAD v4.1: 2,190 of 1,568,210 alleles (0.14%); highest among the groups gnomAD compares: African/African-American, 1.3%; 11 homozygotes.

Submissions (14):

CeGaT Center for Human Genetics Tuebingen
Classification: Likely benign. Last evaluated: 2026-03-01. Review status: criteria provided, single submitter. Criteria: CeGaT Center For Human Genetics Tuebingen Variant Classification Criteria Version 2. Collection method: clinical testing. Allele origin: germline. Affected: yes. Observed: 5 variant alleles.
Comment: MYH14: BS1

Labcorp Genetics (formerly Invitae), Labcorp
Classification: Benign. Last evaluated: 2025-12-19. Review status: criteria provided, single submitter. Criteria: Invitae Variant Classification Sherloc (09022015). Collection method: clinical testing. Allele origin: germline.

Blueprint Genetics
Classification: Likely benign. Last evaluated: 2024-11-08. Review status: criteria provided, single submitter. Criteria: ACMG Guidelines, 2015. Collection method: clinical testing. Allele origin: germline.

Mayo Clinic Laboratories, Mayo Clinic
Classification: Benign. Last evaluated: 2019-12-02. Review status: criteria provided, single submitter. Criteria: ACMG Guidelines, 2015. Collection method: clinical testing. Allele origin: germline. Observed: 5 variant alleles.

ARUP Laboratories, Molecular Genetics and Genomics, ARUP Laboratories
Classification: Benign. Last evaluated: 2019-09-12. Review status: criteria provided, single submitter. Criteria: ARUP Molecular Germline Variant Investigation Process. Collection method: clinical testing. Allele origin: germline.

Athena Diagnostics
Classification: Benign. Last evaluated: 2019-02-27. Review status: criteria provided, single submitter. Criteria: Athena Diagnostics Criteria. Collection method: clinical testing. Allele origin: germline.

GeneDx
Classification: Benign. Last evaluated: 2018-03-01. Review status: criteria provided, single submitter. Criteria: GeneDx Variant Classification Process June 2021. Collection method: clinical testing. Allele origin: germline. Affected: yes.

Illumina Laboratory Services, Illumina
Classification: Benign for Autosomal dominant nonsyndromic hearing loss 4A. Last evaluated: 2018-01-13. Review status: criteria provided, single submitter. Criteria: ICSL Variant Classification Criteria 13 December 2019. Collection method: clinical testing. Allele origin: germline.
Comment: This variant was observed in the ICSL laboratory as part of a predisposition screen in an ostensibly healthy population. It had not been previously curated by ICSL or reported in the Human Gene Mutation Database (HGMD: prior to June 1st, 2018), and was therefore a candidate for classification through an automated scoring system. Utilizing variant allele frequency, disease prevalence and penetrance estimates, and inheritance mode, an automated score was calculated to assess if this variant is too frequent to cause the disease. Based on the score and internal cut-off values, a variant classified as benign is not then subjected to further curation. The score for this variant resulted in a classification of benign for this disease.

Eurofins Ntd Llc (ga)
Classification: Benign. Last evaluated: 2016-03-21. Review status: criteria provided, single submitter. Criteria: EGL Classification Definitions 2015. Collection method: clinical testing. Allele origin: germline. Observed: 1 variant allele, 1 heterozygote.

Genomic Diagnostic Laboratory, Division of Genomic Diagnostics, Children's Hospital of Philadelphia
Classification: Benign. Last evaluated: 2015-07-01. Review status: criteria provided, single submitter. Criteria: DGD Variant Analysis Guidelines. Collection method: clinical testing. Allele origin: unknown.

Laboratory for Molecular Medicine, Mass General Brigham Personalized Medicine
Classification: Benign. Last evaluated: 2012-04-30. Review status: criteria provided, single submitter. Criteria: LMM Criteria. Collection method: clinical testing. Allele origin: germline. Observed: 10 variant alleles.
Comment: Arg931His in Exon 23 of MYH14: This variant is not expected to have clinical sig nificance because it has been identified in 1.2% (40/3424) of African American c hromosomes from a broad population by the NHLBI Exome Sequencing Project (dbSNP rs143644388).

Breakthrough Genomics
Classification: Benign. Review status: criteria provided, single submitter. Criteria: ACMG Guidelines, 2015. Collection method: not provided. Allele origin: germline. Inheritance: Autosomal dominant inheritance. Affected: yes.

Clinical Genetics DNA and cytogenetics Diagnostics Lab, Erasmus MC, Erasmus Medical Center
Classification: Benign. Review status: no assertion criteria provided. Collection method: clinical testing. Allele origin: germline. Affected: yes. Study: VKGL Data-share Consensus. Not counted in ClinVar's aggregate classification.

Clinical Genetics, Academic Medical Center
Classification: Likely benign. Review status: no assertion criteria provided. Collection method: clinical testing. Allele origin: germline. Affected: yes. Study: VKGL Data-share Consensus. Not counted in ClinVar's aggregate classification.